The following is an entry in ClinVar:

NM_001001331.4(ATP2B2):c.1348G>C (p.Val450Leu)

Gene: ATP2B2 (ATPase plasma membrane Ca2+ transporting 2; minus strand). Cytogenetic location: 3p25.3.
Variant type: single nucleotide variant.
Coding change: c.1348G>C on transcript NM_001001331.4 (MANE Select); coding-DNA position 1348, G replaced by C.
Protein change: p.Val450Leu; replaces valine 450 with leucine.
Molecular consequence: missense variant.
Genome position (GRCh38, 1-based): chr3:10,375,498, C>G on the plus strand (G>C on the coding strand, the complement: ATP2B2 is on the minus strand). VCF-style: chr3-10375498-C-G. GRCh37 (hg19) VCF-style: chr3-10417182-C-G.
Other names: c.1213G>C, p.Val405Leu (NM_001330611.3, NM_001353564.1, NM_001363862.1 and 1 more transcripts); short protein forms V405L, V450L.
Identifiers: ClinVar variation 1307728 (VCV001307728.2), dbSNP rs2125521057, ClinGen allele CA351784352.
Genomic context (GRCh38, chr3:10,375,498, plus strand): 5'-AATAGGCCAACGAGATGGTGACGGCCAGAGGGAGCCCCTCGGGCACGGCGACCACCAGCA[C>G]CGTCACGCCAATGATGAAGAACTTGACAAAGTACTGCACGTAGACGGGCGTGCACTCAGG-3'
Protein context (NP_001001331.1, residues 440-460): FVKFFIIGVT[Val450Leu]LVVAVPEGLP

ClinVar aggregate classification (germline): Uncertain significance (1 of 4 stars; one submission).

Submission:

GeneDx
Classification: Uncertain significance. Last evaluated: 2019-08-14. Review status: criteria provided, single submitter. Criteria: GeneDx Variant Classification Process June 2021. Collection method: clinical testing. Allele origin: germline. Affected: yes.
Comment: Not observed in large population cohorts (Lek et al., 2016); In silico analysis, which includes protein predictors and evolutionary conservation, supports a deleterious effect; Has not been previously published as pathogenic or benign to our knowledge